The following is an entry in ClinVar:

NM_021076.4(NEFH):c.883+15_883+32dup

Gene: NEFH (neurofilament heavy chain; plus strand). Cytogenetic location: 22q12.2.
Variant type: Duplication.
Coding change: c.883+15_883+32dup on transcript NM_021076.4 (MANE Select); bases 15 to 32 of the intron after coding-DNA position 883, 18 bases duplicated (GGGTGGGGGGAGGGGCGC).
Molecular consequence: intron variant.
Genome position (GRCh38, 1-based): chr22:29,481,160-29,481,177, GGGTGGGGGGAGGGGCGC duplicated; duplicating any 18 consecutive bases within chr22:29,481,156-29,481,177 gives the same sequence; the c. name uses the placement nearest the transcript's 3' end. VCF-style (leftmost placement, unchanged base first): chr22-29481155-C-CGCGCGGGTGGGGGGAGGG. GRCh37 (hg19) VCF-style: chr22-29877144-C-CGCGCGGGTGGGGGGAGGG.
Identifiers: ClinVar variation 2771687 (VCV002771687.3), dbSNP rs1569194826, ClinGen allele CA638826982.

ClinVar aggregate classification (germline): Uncertain significance (1 of 4 stars; one submission).

Submission:

Labcorp Genetics (formerly Invitae), Labcorp
Classification: Uncertain significance. Last evaluated: 2023-10-24. Review status: criteria provided, single submitter. Criteria: Invitae Variant Classification Sherloc (09022015). Collection method: clinical testing. Allele origin: germline.
Comment: This sequence change falls in intron 1 of the NEFH gene. It does not directly change the encoded amino acid sequence of the NEFH protein. This variant is present in population databases (no rsID available, gnomAD no frequency). This variant has not been reported in the literature in individuals affected with NEFH-related conditions. Experimental studies and prediction algorithms are not available or were not evaluated, and the effect of this variant on mRNA splicing is currently unknown. In summary, the available evidence is currently insufficient to determine the role of this variant in disease. Therefore, it has been classified as a Variant of Uncertain Significance.